The following is an entry in ClinVar:

ClinVar aggregate classification (germline): Benign. Review status: criteria provided, multiple submitters, no conflicts (2 of 4 stars). 5 submissions from 5 submitters: Benign (5). Last evaluated 2026-02-04.

Conditions:
Microcephalic osteodysplastic primordial dwarfism type II (MOPD2). Also called: Microcephalic osteodysplastic primordial dwarfism with tooth abnormalities; OSTEODYSPLASTIC PRIMORDIAL DWARFISM, TYPE II; MOPD II. Identifiers: Orphanet 2637, MedGen C0432246, MONDO:0008872, OMIM 210720.

Allele frequency attached by ClinVar (database versions not stated): gnomAD exomes 0.09575; ExAC 0.10361; gnomAD 0.17815 and 0.18653; 1000 Genomes Project 0.17851; 1000 Genomes Project 30x 0.18567; TOPMed 0.18667; ESP Exome Variant Server 0.19729.
gnomAD v4.1: 146,381 of 1,613,746 alleles (9.1%); highest among the groups gnomAD compares: African/African-American, 44%; 12,117 homozygotes.

Submissions (5):

Labcorp Genetics (formerly Invitae), Labcorp
Classification: Benign. Last evaluated: 2026-02-04. Review status: criteria provided, single submitter. Criteria: Invitae Variant Classification Sherloc (09022015). Collection method: clinical testing. Allele origin: germline.

Illumina Laboratory Services, Illumina
Classification: Benign for Microcephalic osteodysplastic primordial dwarfism type II. Last evaluated: 2018-01-12. Review status: criteria provided, single submitter. Criteria: ICSL Variant Classification Criteria 13 December 2019. Collection method: clinical testing. Allele origin: germline.
Comment: This variant was observed in the ICSL laboratory as part of a predisposition screen in an ostensibly healthy population. It had not been previously curated by ICSL or reported in the Human Gene Mutation Database (HGMD: prior to June 1st, 2018), and was therefore a candidate for classification through an automated scoring system. Utilizing variant allele frequency, disease prevalence and penetrance estimates, and inheritance mode, an automated score was calculated to assess if this variant is too frequent to cause the disease. Based on the score and internal cut-off values, a variant classified as benign is not then subjected to further curation. The score for this variant resulted in a classification of benign for this disease.

GeneDx
Classification: Benign. Last evaluated: 2014-02-26. Review status: criteria provided, single submitter. Criteria: GeneDx Variant Classification (06012015). Collection method: clinical testing. Allele origin: germline. Affected: yes.
Comment: This variant is considered likely benign or benign based on one or more of the following criteria: it is a conservative change, it occurs at a poorly conserved position in the protein, it is predicted to be benign by multiple in silico algorithms, and/or has population frequency not consistent with disease.

Genetic Services Laboratory, University of Chicago
Classification: Benign. Last evaluated: 2013-02-08. Review status: criteria provided, single submitter. Criteria: ACMG Guidelines, 2007. Collection method: clinical testing. Allele origin: germline. Inheritance: Autosomal recessive inheritance.

Breakthrough Genomics
Classification: Benign. Review status: criteria provided, single submitter. Criteria: ACMG Guidelines, 2015. Collection method: not provided. Allele origin: germline. Inheritance: Autosomal recessive inheritance. Affected: yes.

NM_006031.6(PCNT):c.7082A>G (p.Gln2361Arg)

Gene: PCNT (pericentrin; plus strand). Cytogenetic location: 21q22.3.
Variant type: single nucleotide variant.
Coding change: c.7082A>G on transcript NM_006031.6 (MANE Select); coding-DNA position 7082, A replaced by G.
Protein change: p.Gln2361Arg; replaces glutamine 2361 with arginine.
Molecular consequence: missense variant.
Genome position (GRCh38, 1-based): chr21:46,422,027, A>G. VCF-style: chr21-46422027-A-G. GRCh37 (hg19) VCF-style: chr21-47841941-A-G.
Other names: p.Q2361R:CAA>CGA; c.6728A>G, p.Gln2243Arg (NM_001315529.2); short protein forms Q2361R, Q2243R.
Identifiers: ClinVar variation 138630 (VCV000138630.17), dbSNP rs7277175, ClinGen allele CA173076.
Genomic context (GRCh38, chr21:46,422,027, plus strand): 5'-TAGGTGACGGCTCGGGTTTTGGAGCAAGACTGAGCCCGGGGTCAGGAGGCCCTGAGGCTC[A>G]AACTGCTGGTCCTGTGACCCCTGCTTCCATCTCTGGAAGGTTTCAGCCGCTGCCGGAAGC-3'
Protein context (NP_006022.3, residues 2351-2371): LSPGSGGPEA[Gln2361Arg]TAGPVTPASI